The following is an entry in ClinVar:

NM_001244008.2(KIF1A):c.864+5G>C

Gene: KIF1A (kinesin family member 1A; minus strand). Cytogenetic location: 2q37.3.
Variant type: single nucleotide variant.
Coding change: c.864+5G>C on transcript NM_001244008.2 (MANE Select); 5 bases into the intron after coding-DNA position 864, G replaced by C.
Molecular consequence: intron variant.
Genome position (GRCh38, 1-based): chr2:240,783,039, C>G on the plus strand (G>C on the coding strand, the complement: KIF1A is on the minus strand). VCF-style: chr2-240783039-C-G. GRCh37 (hg19) VCF-style: chr2-241722456-C-G.
Other names: c.864+5G>C (NM_001379653.1, NM_001379650.1, NM_001379645.1 and 20 more transcripts).
Identifiers: ClinVar variation 1916149 (VCV001916149.5), dbSNP rs745739108, ClinGen allele CA2580067998.

ClinVar aggregate classification (germline): Uncertain significance (1 of 4 stars; one submission).

Conditions:
Hereditary spastic paraplegia 30. Identifiers: Orphanet 101010, MedGen C5235139, MONDO:0012476.
Neuropathy, hereditary sensory, type 2C. Also called: Hereditary sensory and autonomic neuropathy type IIC; KIF1A-Related HSAN2 (HSAN2C). Identifiers: Orphanet 970, MedGen C3280168, MONDO:0013634, OMIM 614213.
Intellectual disability, autosomal dominant 9 (NESCAVS). Also called: NESCAV SYNDROME; KIF1A-Related Neurodevelopmental Disorder. Identifiers: Orphanet 662367, MedGen C5393830, MONDO:0013656, OMIM 614255.

gnomAD v4.1: 4 of 1,612,066 alleles (0.00025%); highest among the groups gnomAD compares: Non-Finnish European, 0.00034%; no homozygotes.

Submission:

Labcorp Genetics (formerly Invitae), Labcorp
Classification: Uncertain significance for Hereditary spastic paraplegia 30; Neuropathy, hereditary sensory, type 2C; Intellectual disability, autosomal dominant 9. Last evaluated: 2023-11-24. Review status: criteria provided, single submitter. Criteria: Invitae Variant Classification Sherloc (09022015). Collection method: clinical testing. Allele origin: germline.
Comment: This sequence change falls in intron 8 of the KIF1A gene. It does not directly change the encoded amino acid sequence of the KIF1A protein. It affects a nucleotide within the consensus splice site. This variant is not present in population databases (gnomAD no frequency). This variant has not been reported in the literature in individuals affected with KIF1A-related conditions. ClinVar contains an entry for this variant (Variation ID: 1916149). Variants that disrupt the consensus splice site are a relatively common cause of aberrant splicing (PMID: 17576681, 9536098). Algorithms developed to predict the effect of sequence changes on RNA splicing suggest that this variant may disrupt the consensus splice site. In summary, the available evidence is currently insufficient to determine the role of this variant in disease. Therefore, it has been classified as a Variant of Uncertain Significance.

Literature cited by the submitters: PubMed 17576681; PubMed 9536098.